The following is an entry in ClinVar:

NM_021005.4(NR2F2):c.576del (p.Thr193fs)

Gene: NR2F2 (nuclear receptor subfamily 2 group F member 2; plus strand). Cytogenetic location: 15q26.2.
Variant type: Deletion.
Coding change: c.576del on transcript NM_021005.4 (MANE Select); coding-DNA position 576, one base deleted (C; older notation c.576delC).
Protein change: p.Thr193fs; shifts the reading frame from threonine 193.
Molecular consequence: frameshift variant.
Genome position (GRCh38, 1-based): chr15:96,334,209, C deleted; the last of 3 consecutive C bases (chr15:96,334,207-96,334,209); deleting any one gives the same sequence. VCF-style (leftmost placement, unchanged base first): chr15-96334206-TC-T. GRCh37 (hg19) VCF-style: chr15-96877435-TC-T.
Other names: c.177del, p.Thr60fs (NM_001145155.2); c.117del, p.Thr40fs (NM_001145156.1, NM_001145157.2); short protein forms T193fs, T40fs, T60fs.
Identifiers: ClinVar variation 3062062 (VCV003062062.1), dbSNP rs2505774216, ClinGen allele CA2740096785.

ClinVar aggregate classification (germline): Pathogenic (1 of 4 stars; one submission).

Conditions:
Congenital heart defects, multiple types, 4 (CHTD4). Identifiers: MedGen C4014310, MONDO:0014344, OMIM 615779.

Submission:

Illumina Laboratory Services, Illumina
Classification: Pathogenic for Congenital heart defects, multiple types, 4. Last evaluated: 2020-04-29. Review status: criteria provided, single submitter. Criteria: ICSLVariantClassificationCriteria RUGD 01 April 2020. Collection method: clinical testing. Allele origin: unknown.
Comment: The NR2F2 c.576delC (p.Thr193ArgfsTer63) variant causes a shift in the protein reading frame that is predicted to result in premature termination of the protein. Loss of normal protein function through either protein truncation or nonsense-mediated mRNA decay is expected. A literature search was performed for the gene, cDNA change, and amino acid change. No publications were found based on this search. This variant is not observed in version 2.1.1 of the Genome Aggregation Database. Based on the available evidence, the c.576delC (p.Thr193ArgfsTer63) variant is classified as pathogenic for congenital heart defects, multiple types.